The following is an entry in ClinVar:

ClinVar aggregate classification (germline): Uncertain significance (1 of 4 stars; one submission).

Conditions:
Tyrosinase-positive oculocutaneous albinism (OCA2). Also called: ALBINISM II; Oculocutaneous albinism type 2; Albinism, oculocutaneous, type II. Identifiers: Orphanet 79432, MedGen C0268495, MONDO:0008746, OMIM 203200.

gnomAD v4.1: 203 of 152,288 alleles (0.13%); highest among the groups gnomAD compares: South Asian, 0.5%; 1 homozygote.

Submission:

Broad Center for Mendelian Genomics, Broad Institute of MIT and Harvard
Classification: Uncertain significance for Tyrosinase-positive oculocutaneous albinism. Last evaluated: 2026-08-12. Review status: criteria provided, single submitter. Criteria: ACMG Guidelines, 2015. Collection method: research. Allele origin: germline. Inheritance: Autosomal recessive inheritance. Study: GREGoR Consortium.
Comment: Trio genome analysis revealed that this variant was in trans with the pathogenic variant. The c.647-1400A>G variant has not been previously reported in the literature in individuals with oculocutaneous albinism, and has been identified in 0.5% (24/4826) of South Asian chromosomes by the Genome Aggregation Database (gnomAD; dbSNP rs369228782). Although this variant has been seen in the general population in a heterozygous state, its frequency is not high enough to rule out a pathogenic role. Computational prediction tools and conservation analyses do not provide strong support for or against an impact to the protein. In summary, the clinical significance of the c.647-1400A>G variant is uncertain. ACMG/AMP Criteria applied: PM3 (Richards 2015).

NM_000275.3(OCA2):c.647-1400A>G

Gene: OCA2 (OCA2 melanosomal transmembrane protein; minus strand). Cytogenetic location: 15q13.1.
Variant type: single nucleotide variant.
Coding change: c.647-1400A>G on transcript NM_000275.3 (MANE Select); 1400 bases into the intron before coding-DNA position 647, A replaced by G.
Molecular consequence: intron variant.
Genome position (GRCh38, 1-based): chr15:28,019,957, T>C on the plus strand (A>G on the coding strand, the complement: OCA2 is on the minus strand). VCF-style: chr15-28019957-T-C. GRCh37 (hg19) VCF-style: chr15-28265103-T-C.
Other names: NM_001300984.2:c.647-1400A>G; c.647-1400A>G (NM_001300984.2).
Identifiers: ClinVar variation 4974507 (VCV004974507.1).